The following is an entry in ClinVar:

ClinVar aggregate classification (germline): Uncertain significance. Review status: criteria provided, multiple submitters, no conflicts (2 of 4 stars). 2 submissions from 2 submitters: Uncertain significance (2). Last evaluated 2023-02-27.

Conditions:
Hereditary cancer-predisposing syndrome. Also called: Hereditary neoplastic syndrome; Tumor predisposition; Neoplastic Syndromes, Hereditary; Hereditary Cancer Syndrome. Identifiers: Orphanet 140162, MedGen C0027672, MeSH D009386, MONDO:0015356.
Gorlin syndrome. Also called: Nevoid Basal Cell Carcinoma Syndrome; Basal cell nevus syndrome. Identifiers: Orphanet 377, MedGen C0004779, MONDO:0007187.

Submissions (2):

Ambry Genetics
Classification: Uncertain significance for Hereditary cancer-predisposing syndrome. Last evaluated: 2023-02-27. Review status: criteria provided, single submitter. Criteria: Ambry Variant Classification Scheme 2023. Collection method: clinical testing. Allele origin: germline.
Comment: The p.Q242R variant (also known as c.725A>G), located in coding exon 5 of the PTCH1 gene, results from an A to G substitution at nucleotide position 725. The glutamine at codon 242 is replaced by arginine, an amino acid with highly similar properties. This amino acid position is conserved. In addition, the in silico prediction for this alteration is inconclusive. Since supporting evidence is limited at this time, the clinical significance of this alteration remains unclear.

Labcorp Genetics (formerly Invitae), Labcorp
Classification: Uncertain significance for Gorlin syndrome. Last evaluated: 2022-10-30. Review status: criteria provided, single submitter. Criteria: Invitae Variant Classification Sherloc (09022015). Collection method: clinical testing. Allele origin: germline.
Comment: In summary, the available evidence is currently insufficient to determine the role of this variant in disease. Therefore, it has been classified as a Variant of Uncertain Significance. Advanced modeling of protein sequence and biophysical properties (such as structural, functional, and spatial information, amino acid conservation, physicochemical variation, residue mobility, and thermodynamic stability) performed at Invitae indicates that this missense variant is not expected to disrupt PTCH1 protein function. This variant has not been reported in the literature in individuals affected with PTCH1-related conditions. This variant is not present in population databases (gnomAD no frequency). This sequence change replaces glutamine, which is neutral and polar, with arginine, which is basic and polar, at codon 242 of the PTCH1 protein (p.Gln242Arg).

NM_000264.5(PTCH1):c.725A>G (p.Gln242Arg)

Gene: PTCH1 (patched 1; minus strand). Cytogenetic location: 9q22.32.
Variant type: single nucleotide variant.
Coding change: c.725A>G on transcript NM_000264.5 (MANE Select); coding-DNA position 725, A replaced by G.
Protein change: p.Gln242Arg; replaces glutamine 242 with arginine.
Molecular consequence: missense variant. On other transcripts: non-coding transcript variant (1).
Genome position (GRCh38, 1-based): chr9:95,481,970, T>C on the plus strand (A>G on the coding strand, the complement: PTCH1 is on the minus strand). VCF-style: chr9-95481970-T-C. GRCh37 (hg19) VCF-style: chr9-98244252-T-C.
Other names: c.527A>G, p.Gln176Arg (NM_001083602.3, NM_001354919.2); c.722A>G, p.Gln241Arg (NM_001083603.3); c.272A>G, p.Gln91Arg (NM_001083604.3, NM_001083605.3, NM_001083606.3 and 1 more transcripts); c.725A>G, p.Gln242Arg (NM_001354918.2); short protein forms Q241R, Q242R, Q176R, Q91R.
Identifiers: ClinVar variation 2449691 (VCV002449691.5), dbSNP rs769072215, ClinGen allele CA196534147.